The following is an entry in ClinVar:

NM_002047.4(GARS1):c.418A>C (p.Ile140Leu)

Gene: GARS1 (glycyl-tRNA synthetase 1; plus strand). Cytogenetic location: 7p14.3.
Variant type: single nucleotide variant.
Coding change: c.418A>C on transcript NM_002047.4 (MANE Select); coding-DNA position 418, A replaced by C.
Protein change: p.Ile140Leu; replaces isoleucine 140 with leucine.
Molecular consequence: missense variant.
Genome position (GRCh38, 1-based): chr7:30,600,040, A>C. VCF-style: chr7-30600040-A-C. GRCh37 (hg19) VCF-style: chr7-30639656-A-C.
Other names: c.418A>C (LRG_243t1); c.256A>C, p.Ile86Leu (NM_001316772.1); short protein forms I140L, I86L.
Identifiers: ClinVar variation 580803 (VCV000580803.8), dbSNP rs888805042, ClinGen allele CA367139282.

ClinVar aggregate classification (germline): Uncertain significance (1 of 4 stars; one submission).

Conditions:
Charcot-Marie-Tooth disease type 2. Also called: Charcot-Marie-Tooth type 2. Identifiers: Orphanet 64746, MedGen C0270914, MONDO:0018993.

gnomAD v4.1: 3 of 1,609,826 alleles (0.00019%); highest among the groups gnomAD compares: Non-Finnish European, 0.00026%; no homozygotes.

Submission:

Labcorp Genetics (formerly Invitae), Labcorp
Classification: Uncertain significance for Charcot-Marie-Tooth disease type 2. Last evaluated: 2021-09-23. Review status: criteria provided, single submitter. Criteria: Invitae Variant Classification Sherloc (09022015). Collection method: clinical testing. Allele origin: germline.
Comment: Algorithms developed to predict the effect of missense changes on protein structure and function (SIFT, PolyPhen-2, Align-GVGD) all suggest that this variant is likely to be tolerated. This variant has not been reported in the literature in individuals affected with GARS-related conditions. This variant is not present in population databases (ExAC no frequency). This sequence change replaces isoleucine with leucine at codon 140 of the GARS protein (p.Ile140Leu). The isoleucine residue is highly conserved and there is a small physicochemical difference between isoleucine and leucine. In summary, the available evidence is currently insufficient to determine the role of this variant in disease. Therefore, it has been classified as a Variant of Uncertain Significance.